The following is an entry in ClinVar:

NM_001136193.2(FASTKD2):c.1198T>C (p.Phe400Leu)

Gene: FASTKD2 (FAST kinase domains 2; plus strand). Cytogenetic location: 2q33.3.
Variant type: single nucleotide variant.
Coding change: c.1198T>C on transcript NM_001136193.2 (MANE Select); coding-DNA position 1198, T replaced by C.
Protein change: p.Phe400Leu; replaces phenylalanine 400 with leucine.
Molecular consequence: missense variant.
Genome position (GRCh38, 1-based): chr2:206,772,264, T>C. VCF-style: chr2-206772264-T-C. GRCh37 (hg19) VCF-style: chr2-207636988-T-C.
Other names: c.1198T>C, p.Phe400Leu (NM_001136194.2, NM_014929.4); short protein forms F400L.
Identifiers: ClinVar variation 2724172 (VCV002724172.3), dbSNP rs2468816216, ClinGen allele CA350078457.

ClinVar aggregate classification (germline): Uncertain significance (1 of 4 stars; one submission).

Submission:

Labcorp Genetics (formerly Invitae), Labcorp
Classification: Uncertain significance. Last evaluated: 2024-05-15. Review status: criteria provided, single submitter. Criteria: Invitae Variant Classification Sherloc (09022015). Collection method: clinical testing. Allele origin: germline.
Comment: This sequence change replaces phenylalanine, which is neutral and non-polar, with leucine, which is neutral and non-polar, at codon 400 of the FASTKD2 protein (p.Phe400Leu). This variant is not present in population databases (gnomAD no frequency). This variant has not been reported in the literature in individuals affected with FASTKD2-related conditions. Advanced modeling of protein sequence and biophysical properties (such as structural, functional, and spatial information, amino acid conservation, physicochemical variation, residue mobility, and thermodynamic stability) performed at Invitae indicates that this missense variant is not expected to disrupt FASTKD2 protein function with a negative predictive value of 80%. In summary, the available evidence is currently insufficient to determine the role of this variant in disease. Therefore, it has been classified as a Variant of Uncertain Significance.